The following is an entry in ClinVar:

NM_004826.4(ECEL1):c.1499G>A (p.Arg500Gln)

Gene: ECEL1 (endothelin converting enzyme like 1; minus strand). Cytogenetic location: 2q37.1.
Variant type: single nucleotide variant.
Coding change: c.1499G>A on transcript NM_004826.4 (MANE Select); coding-DNA position 1499, G replaced by A.
Protein change: p.Arg500Gln; replaces arginine 500 with glutamine.
Molecular consequence: missense variant.
Genome position (GRCh38, 1-based): chr2:232,483,423, C>T on the plus strand (G>A on the coding strand, the complement: ECEL1 is on the minus strand). VCF-style: chr2-232483423-C-T. GRCh37 (hg19) VCF-style: chr2-233348133-C-T.
Other names: c.1499G>A, p.Arg500Gln (NM_001290787.2); short protein forms R500Q.
Identifiers: ClinVar variation 757338 (VCV000757338.7), dbSNP rs151119841, ClinGen allele CA2167278.

ClinVar aggregate classification (germline): Conflicting classifications of pathogenicity. Review status: criteria provided, conflicting classifications (1 of 4 stars). 3 submissions from 3 submitters: Uncertain significance (2); Benign (1). Last evaluated 2022-12-05.

Conditions:
Inborn genetic diseases. Identifiers: MedGen C0950123, MeSH D030342.

Allele frequency attached by ClinVar (database versions not stated): gnomAD exomes 0.00019 and 0.00037; TOPMed 0.00028; gnomAD 0.00029 and 0.00030; ExAC 0.00030; ESP Exome Variant Server 0.00062.

Submissions (3):

Ambry Genetics
Classification: Uncertain significance for Inborn genetic diseases. Last evaluated: 2022-12-05. Review status: criteria provided, single submitter. Criteria: Ambry Variant Classification Scheme 2023. Collection method: clinical testing. Allele origin: germline.

GeneDx
Classification: Uncertain significance. Last evaluated: 2022-05-18. Review status: criteria provided, single submitter. Criteria: GeneDx Variant Classification Process June 2021. Collection method: clinical testing. Allele origin: germline. Affected: yes.
Comment: In silico analysis supports that this missense variant does not alter protein structure/function; Has not been previously published as pathogenic or benign to our knowledge

Labcorp Genetics (formerly Invitae), Labcorp
Classification: Benign. Last evaluated: 2018-08-01. Review status: criteria provided, single submitter. Criteria: Invitae Variant Classification Sherloc (09022015). Collection method: clinical testing. Allele origin: germline.